The following is an entry in ClinVar:

NM_020632.3(ATP6V0A4):c.1908+10C>A

Gene: ATP6V0A4 (ATPase H+ transporting V0 subunit a4; minus strand). Cytogenetic location: 7q34.
Variant type: single nucleotide variant.
Coding change: c.1908+10C>A on transcript NM_020632.3 (MANE Select); 10 bases into the intron after coding-DNA position 1908, C replaced by A.
Molecular consequence: intron variant.
Genome position (GRCh38, 1-based): chr7:138,732,867, G>T on the plus strand (C>A on the coding strand, the complement: ATP6V0A4 is on the minus strand). VCF-style: chr7-138732867-G-T. GRCh37 (hg19) VCF-style: chr7-138417612-G-T.
Other names: c.1908+10C>A (NM_130840.3, NM_130841.3).
Identifiers: ClinVar variation 359012 (VCV000359012.6), dbSNP rs368166747, ClinGen allele CA4504618.

ClinVar aggregate classification (germline): Conflicting classifications of pathogenicity. Review status: criteria provided, conflicting classifications (1 of 4 stars). 2 submissions from 2 submitters: Uncertain significance (1); Likely benign (1). Last evaluated 2026-09-24.

Conditions:
ATP6V0A4-related disorder. Also called: ATP6V0A4-related condition.
Autosomal recessive distal renal tubular acidosis. Identifiers: Orphanet 402041, MedGen C1864498, MONDO:0018440.

Allele frequency attached by ClinVar (database versions not stated): gnomAD 0.00005 and 0.00006; TOPMed 0.00006; ExAC 0.00010; ESP Exome Variant Server 0.00015; 1000 Genomes Project 30x 0.00016.
gnomAD v4.1: 231 of 1,554,666 alleles (0.015%); highest among the groups gnomAD compares: Non-Finnish European, 0.019%; no homozygotes.

Submissions (2):

PreventionGenetics, part of Exact Sciences
Classification: Likely benign for ATP6V0A4-related condition. Last evaluated: 2026-09-24. Review status: criteria provided, single submitter. Criteria: ACMG Guidelines, 2015. Collection method: clinical testing. Allele origin: germline.
Comment: This variant is classified as likely benign based on ACMG/AMP sequence variant interpretation guidelines (Richards et al. 2015 PMID: 25741868, with internal and published modifications).

Illumina Laboratory Services, Illumina
Classification: Uncertain significance for Renal tubular acidosis, distal, 3, with or without sensorineural hearing loss. Last evaluated: 2018-01-12. Review status: criteria provided, single submitter. Criteria: ICSL Variant Classification Criteria 13 December 2019. Collection method: clinical testing. Allele origin: germline.